The following is an entry in ClinVar:

NM_004068.4(AP2M1):c.268G>T (p.Ala90Ser)

Gene: AP2M1 (adaptor related protein complex 2 subunit mu 1; plus strand). Cytogenetic location: 3q27.1.
Variant type: single nucleotide variant.
Coding change: c.268G>T on transcript NM_004068.4 (MANE Select); coding-DNA position 268, G replaced by T.
Protein change: p.Ala90Ser; replaces alanine 90 with serine.
Molecular consequence: missense variant.
Genome position (GRCh38, 1-based): chr3:184,179,050, G>T. VCF-style: chr3-184179050-G-T. GRCh37 (hg19) VCF-style: chr3-183896838-G-T.
Other names: c.268G>T, p.Ala90Ser (NM_001025205.2); c.343G>T, p.Ala115Ser (NM_001311198.2); short protein forms A90S, A115S.
Identifiers: ClinVar variation 4730282 (VCV004730282.1).

ClinVar aggregate classification (germline): Uncertain significance (1 of 4 stars; one submission).

Submission:

Labcorp Genetics (formerly Invitae), Labcorp
Classification: Uncertain significance. Last evaluated: 2025-11-01. Review status: criteria provided, single submitter. Criteria: Invitae Variant Classification Sherloc (09022015). Collection method: clinical testing. Allele origin: germline.
Comment: This sequence change replaces alanine, which is neutral and non-polar, with serine, which is neutral and polar, at codon 90 of the AP2M1 protein (p.Ala90Ser). This variant is not present in population databases (gnomAD no frequency). This variant has not been reported in the literature in individuals affected with AP2M1-related conditions. An algorithm developed to predict the effect of missense changes on protein structure and function (PolyPhen-2) suggests that this variant is likely to be tolerated. In summary, the available evidence is currently insufficient to determine the role of this variant in disease. Therefore, it has been classified as a Variant of Uncertain Significance.